The following is an entry in ClinVar:

ClinVar aggregate classification (germline): Uncertain significance (1 of 4 stars; one submission).

Conditions:
PKD1L1-related disorder. Also called: PKD1L1-related condition.

gnomAD v4.1: 2 of 1,614,218 alleles (0.00012%); highest among the groups gnomAD compares: East Asian, 0.0045%; no homozygotes.

Submission:

PreventionGenetics, part of Exact Sciences
Classification: Uncertain significance for PKD1L1-related condition. Last evaluated: 2026-06-11. Review status: criteria provided, single submitter. Criteria: ACMG Guidelines, 2015. Collection method: clinical testing. Allele origin: germline.
Comment: The PKD1L1 c.898G>A variant is predicted to result in the amino acid substitution p.Val300Met. To our knowledge, this variant has not been reported in the literature. This variant is reported in 0.011% of alleles in individuals of East Asian descent in gnomAD. At this time, the clinical significance of this variant is uncertain due to the absence of conclusive functional and genetic evidence.

NM_138295.5(PKD1L1):c.898G>A (p.Val300Met)

Gene: PKD1L1 (polycystin 1 like 1, transient receptor potential channel interacting; minus strand). Cytogenetic location: 7p12.3.
Variant type: single nucleotide variant.
Coding change: c.898G>A on transcript NM_138295.5 (MANE Select); coding-DNA position 898, G replaced by A.
Protein change: p.Val300Met; replaces valine 300 with methionine.
Molecular consequence: missense variant.
Genome position (GRCh38, 1-based): chr7:47,929,366, C>T on the plus strand (G>A on the coding strand, the complement: PKD1L1 is on the minus strand). VCF-style: chr7-47929366-C-T. GRCh37 (hg19) VCF-style: chr7-47968963-C-T.
Other names: short protein forms V300M.
Identifiers: ClinVar variation 4982218 (VCV004982218.1).
Genomic context (GRCh38, chr7:47,929,366, plus strand): 5'-GAGCCTCTCCAGAAGCCATATGAACACGGAATCCCAGATTTGGAGGTGCCCGAGCTTCCA[C>T]TTCCAGGGAGCAATTAAGAACAGGGTTCATGAAGTTATCAGAATTTCGAGCTAGGATGGC-3'
Protein context (NP_612152.1, residues 290-310): MNPVLNCSLE[Val300Met]EARAPPNLGF